The following is an entry in ClinVar:

ClinVar aggregate classification (germline): Uncertain significance (1 of 4 stars; one submission).

Conditions:
Dilated cardiomyopathy 1JJ (CMD1JJ). Identifiers: Orphanet 154, MedGen C3808935, MONDO:0014095, OMIM 615235.

Allele frequency attached by ClinVar (database versions not stated): TOPMed below 0.00001.

Submission:

Labcorp Genetics (formerly Invitae), Labcorp
Classification: Uncertain significance for Dilated cardiomyopathy 1JJ. Last evaluated: 2022-08-31. Review status: criteria provided, single submitter. Criteria: Invitae Variant Classification Sherloc (09022015). Collection method: clinical testing. Allele origin: germline.
Comment: In summary, the available evidence is currently insufficient to determine the role of this variant in disease. Therefore, it has been classified as a Variant of Uncertain Significance. Algorithms developed to predict the effect of missense changes on protein structure and function are either unavailable or do not agree on the potential impact of this missense change (SIFT: "Tolerated"; PolyPhen-2: "Probably Damaging"; Align-GVGD: "Class C0"). This variant has not been reported in the literature in individuals affected with LAMA4-related conditions. This variant is not present in population databases (gnomAD no frequency). This sequence change replaces phenylalanine, which is neutral and non-polar, with isoleucine, which is neutral and non-polar, at codon 199 of the LAMA4 protein (p.Phe199Ile). ClinVar contains an entry for this variant (Variation ID: 1485860).

NM_001105206.3(LAMA4):c.595T>A (p.Phe199Ile)

Gene: LAMA4 (laminin subunit alpha 4; minus strand). Cytogenetic location: 6q21.
Variant type: single nucleotide variant.
Coding change: c.595T>A on transcript NM_001105206.3 (MANE Select); coding-DNA position 595, T replaced by A.
Protein change: p.Phe199Ile; replaces phenylalanine 199 with isoleucine.
Molecular consequence: missense variant.
Genome position (GRCh38, 1-based): chr6:112,191,759, A>T on the plus strand (T>A on the coding strand, the complement: LAMA4 is on the minus strand). VCF-style: chr6-112191759-A-T. GRCh37 (hg19) VCF-style: chr6-112512961-A-T.
Other names: c.595T>A, p.Phe199Ile (NM_001105207.3, NM_002290.5); short protein forms F199I.
Identifiers: ClinVar variation 1485860 (VCV001485860.8), dbSNP rs1783134126, ClinGen allele CA365378209.